The following is an entry in ClinVar:

ClinVar aggregate classification (germline): Uncertain significance (1 of 4 stars; one submission).

Conditions:
Candidiasis, familial, 8 (CANDF8). Identifiers: Orphanet 1334, MedGen C3714992, MONDO:0014230, OMIM 615527.

gnomAD v4.1: 32 of 1,486,218 alleles (0.0022%); highest among the groups gnomAD compares: Admixed American, 0.0093%; no homozygotes.

Submission:

Labcorp Genetics (formerly Invitae), Labcorp
Classification: Uncertain significance for Candidiasis, familial, 8. Last evaluated: 2024-06-05. Review status: criteria provided, single submitter. Criteria: Invitae Variant Classification Sherloc (09022015). Collection method: clinical testing. Allele origin: germline.
Comment: This sequence change replaces aspartic acid, which is acidic and polar, with asparagine, which is neutral and polar, at codon 272 of the TRAF3IP2 protein (p.Asp272Asn). This variant is present in population databases (rs757470698, gnomAD 0.01%). This variant has not been reported in the literature in individuals affected with TRAF3IP2-related conditions. Advanced modeling of protein sequence and biophysical properties (such as structural, functional, and spatial information, amino acid conservation, physicochemical variation, residue mobility, and thermodynamic stability) performed at Invitae indicates that this missense variant is not expected to disrupt TRAF3IP2 protein function with a negative predictive value of 80%. In summary, the available evidence is currently insufficient to determine the role of this variant in disease. Therefore, it has been classified as a Variant of Uncertain Significance.

NM_147686.4(TRAF3IP2):c.814G>A (p.Asp272Asn)

Genes: TRAF3IP2 (TRAF3 interacting protein 2; minus strand), TRAF3IP2-AS1 (TRAF3IP2 antisense RNA 1; plus strand), LOC114803478 (TRAF3IP2 eExon liver enhancer; plus strand). Cytogenetic location: 6q21.
Variant type: single nucleotide variant.
Coding change: c.814G>A on transcript NM_147686.4 (MANE Select); coding-DNA position 814, G replaced by A.
Protein change: p.Asp272Asn; replaces aspartic acid 272 with asparagine.
Molecular consequence: missense variant.
Genome position (GRCh38, 1-based): chr6:111,591,273, C>T on the plus strand (G>A on the coding strand, the complement: TRAF3IP2 is on the minus strand). VCF-style: chr6-111591273-C-T. GRCh37 (hg19) VCF-style: chr6-111912476-C-T.
Other names: c.814G>A, p.Asp272Asn (NM_001164281.3); c.841G>A, p.Asp281Asn (NM_147200.3); short protein forms D272N, D281N.
Identifiers: ClinVar variation 3637910 (VCV003637910.2).